The following is an entry in ClinVar:

ClinVar aggregate classification (germline): Uncertain significance (1 of 4 stars; one submission).

Submission:

Labcorp Genetics (formerly Invitae), Labcorp
Classification: Uncertain significance. Last evaluated: 2023-06-18. Review status: criteria provided, single submitter. Criteria: Invitae Variant Classification Sherloc (09022015). Collection method: clinical testing. Allele origin: germline.
Comment: In summary, the available evidence is currently insufficient to determine the role of this variant in disease. Therefore, it has been classified as a Variant of Uncertain Significance. Experimental studies and prediction algorithms are not available or were not evaluated, and the functional significance of this variant is currently unknown. ClinVar contains an entry for this variant (Variation ID: 1444138). This variant has not been reported in the literature in individuals affected with CAMK2B-related conditions. This sequence change replaces valine, which is neutral and non-polar, with methionine, which is neutral and non-polar, at codon 195 of the CAMK2B protein (p.Val195Met). Information on the frequency of this variant in the gnomAD database is not available, as this variant may be reported differently in the database.

NM_001220.5(CAMK2B):c.582_583inv (p.Val195Met)

Gene: CAMK2B (calcium/calmodulin dependent protein kinase II beta; minus strand). Cytogenetic location: 7p13.
Variant type: Inversion.
Coding change: c.582_583inv on transcript NM_001220.5 (MANE Select).
Protein change: p.Val195Met; replaces valine 195 with methionine.
Molecular consequence: missense variant.
Genome position: GRCh38 VCF-style: chr7-44243268-CA-TG. GRCh37 (hg19) VCF-style: chr7-44282867-CA-TG.
Other names: c.582_583inv, p.Val195Met (NM_001293170.2, NM_172078.3, NM_172079.3 and 5 more transcripts); short protein forms V195M.
Identifiers: ClinVar variation 1444138 (VCV001444138.6), ClinGen allele CA2573142146.